The following is an entry in ClinVar:

ClinVar aggregate classification (germline): Uncertain significance (0 of 4 stars; one submission).

Conditions:
WDPCP-related disorder. Also called: WDPCP-related condition.

Submission:

PreventionGenetics, part of Exact Sciences
Classification: Uncertain significance for WDPCP-related condition. Last evaluated: 2024-07-31. Review status: no assertion criteria provided. Collection method: clinical testing. Allele origin: germline.
Comment: The WDPCP c.2190+10T>C variant is predicted to interfere with splicing. To our knowledge, this variant has not been reported in the literature or in a large population database, indicating this variant is rare. However, the use of computer prediction programs is not equivalent to functional evidence, and therefore the clinical significance of this variant is uncertain.

NM_015910.7(WDPCP):c.2190+10T>C

Gene: WDPCP (WD repeat containing planar cell polarity effector; minus strand). Cytogenetic location: 2p15.
Variant type: single nucleotide variant.
Coding change: c.2190+10T>C on transcript NM_015910.7 (MANE Select); 10 bases into the intron after coding-DNA position 2190, T replaced by C.
Molecular consequence: intron variant.
Genome position (GRCh38, 1-based): chr2:63,152,904, A>G on the plus strand (T>C on the coding strand, the complement: WDPCP is on the minus strand). VCF-style: chr2-63152904-A-G. GRCh37 (hg19) VCF-style: chr2-63380039-A-G.
Other names: c.2118+10T>C (NM_001354044.2); c.1713+10T>C (NM_001042692.3).
Identifiers: ClinVar variation 3346026 (VCV003346026.1).
Genomic context (GRCh38, chr2:63,152,904, plus strand): 5'-AATAATCACATACATTATGCTTTTCTCTTAGAATTTAAATGTCTAGTAATAAACAGAGAA[A>G]GTGTTTTACCTGTTCTCTGCCGTCTTCTCTCAGTTCTCCGTCTAAAGTAAAAGATTAAAA-3'